The following is an entry in ClinVar:

ClinVar aggregate classification (germline): Likely benign (1 of 4 stars; one submission).

Submission:

CeGaT Center for Human Genetics Tuebingen
Classification: Likely benign. Last evaluated: 2025-02-01. Review status: criteria provided, single submitter. Criteria: CeGaT Center For Human Genetics Tuebingen Variant Classification Criteria Version 2. Collection method: clinical testing. Allele origin: germline. Affected: yes. Observed: 1 variant allele.
Comment: MUC3A: PM2:Supporting, BP4, BP7

NM_005960.2(MUC3A):c.7395C>G (p.Thr2465=)

Gene: MUC3A (mucin 3A, cell surface associated; plus strand). Cytogenetic location: 7q22.1.
Variant type: single nucleotide variant.
Coding change: c.7395C>G on transcript NM_005960.2 (MANE Select); coding-DNA position 7395, C replaced by G.
Protein change: p.Thr2465=; no amino-acid change (threonine 2465 retained).
Molecular consequence: synonymous variant.
Genome position (GRCh38, 1-based): chr7:100,959,174, C>G. VCF-style: chr7-100959174-C-G. GRCh37 (hg19) VCF-style: chr7-100551303-C-G.
Identifiers: ClinVar variation 3770713 (VCV003770713.13).
Genomic context (GRCh38, chr7:100,959,174, plus strand): 5'-TTCAACCATCTACTCCACAGTCAGCACATCCACAACTGCCATCACCTCACATTTTACTAC[C>G]TCAGAGACTGCGGTGACTCCCACACCTGTAACCCCATCTTCTCTGAGTACAGACATCCCG-3'
Protein context (NP_005951.1, residues 2455-2475): STTAITSHFT[Thr2465=]SETAVTPTPV